The following is an entry in ClinVar:

ClinVar aggregate classification (germline): Conflicting classifications of pathogenicity. Review status: criteria provided, conflicting classifications (1 of 4 stars). 10 submissions from 10 submitters: Uncertain significance (1); Benign (1); Likely benign (5). 3 of the submissions do not count toward it. Last evaluated 2026-05-01.

Conditions:
NEB-related disorder. Also called: NEB-Related Disorders; NEB-related condition.
Nemaline myopathy 2 (NEM2). Also called: Nemaline myopathy 2, autosomal recessive. Identifiers: MedGen C1850569, MONDO:0009725, OMIM 256030.

Allele frequency attached by ClinVar (database versions not stated): 1000 Genomes Project 30x 0.00078; 1000 Genomes Project 0.00080; TOPMed 0.00292; gnomAD 0.00314 and 0.00334; gnomAD exomes 0.00317; ExAC 0.00340; ESP Exome Variant Server 0.00361.
gnomAD v4.1: 7,102 of 1,613,972 alleles (0.44%); highest among the groups gnomAD compares: Non-Finnish European, 0.55%; 26 homozygotes.

Submissions (10):

CeGaT Center for Human Genetics Tuebingen
Classification: Likely benign. Last evaluated: 2026-05-01. Review status: criteria provided, single submitter. Criteria: CeGaT Center For Human Genetics Tuebingen Variant Classification Criteria Version 2. Collection method: clinical testing. Allele origin: germline. Affected: yes. Observed: 17 variant alleles.
Comment: NEB: BS2

Labcorp Genetics (formerly Invitae), Labcorp
Classification: Likely benign for Nemaline myopathy 2. Last evaluated: 2026-02-02. Review status: criteria provided, single submitter. Criteria: Invitae Variant Classification Sherloc (09022015). Collection method: clinical testing. Allele origin: germline.

GeneDx
Classification: Likely benign. Last evaluated: 2020-03-16. Review status: criteria provided, single submitter. Criteria: GeneDx Variant Classification Process June 2021. Collection method: clinical testing. Allele origin: germline. Affected: yes.

Mayo Clinic Laboratories, Mayo Clinic
Classification: Benign. Last evaluated: 2018-12-06. Review status: criteria provided, single submitter. Criteria: ACMG Guidelines, 2015. Collection method: clinical testing. Allele origin: germline. Observed: 7 variant alleles.

Illumina Laboratory Services, Illumina
Classification: Uncertain significance for Nemaline myopathy 2. Last evaluated: 2018-01-13. Review status: criteria provided, single submitter. Criteria: ICSL Variant Classification Criteria 13 December 2019. Collection method: clinical testing. Allele origin: germline.

Eurofins Ntd Llc (ga)
Classification: Likely benign. Last evaluated: 2016-10-03. Review status: criteria provided, single submitter. Criteria: EGL Classification Definitions 2015. Collection method: clinical testing. Allele origin: germline. Observed: 1 variant allele, 1 heterozygote.

Genetic Services Laboratory, University of Chicago
Classification: Likely benign. Last evaluated: 2015-08-24. Review status: criteria provided, single submitter. Criteria: ACMG Guidelines, 2015. Collection method: clinical testing. Allele origin: germline. Affected: no.

PreventionGenetics, part of Exact Sciences
Classification: Likely benign for NEB-related condition. Last evaluated: 2019-04-30. Review status: no assertion criteria provided. Collection method: clinical testing. Allele origin: germline. Not counted in ClinVar's aggregate classification.
Comment: This variant is classified as likely benign based on ACMG/AMP sequence variant interpretation guidelines (Richards et al. 2015 PMID: 25741868, with internal and published modifications).

Genome Diagnostics Laboratory, University Medical Center Utrecht
Classification: Likely benign. Review status: no assertion criteria provided. Collection method: clinical testing. Allele origin: germline. Affected: yes. Study: VKGL Data-share Consensus. Not counted in ClinVar's aggregate classification.

Laboratory of Diagnostic Genome Analysis, Leiden University Medical Center (LUMC)
Classification: Likely benign. Review status: no assertion criteria provided. Collection method: clinical testing. Allele origin: germline. Affected: yes. Study: VKGL Data-share Consensus. Not counted in ClinVar's aggregate classification.

NM_001164508.2(NEB):c.22122C>G (p.Asp7374Glu)

Genes: NEB (nebulin; minus strand), RIF1 (replication timing regulatory factor 1; plus strand). Cytogenetic location: 2q23.3.
Variant type: single nucleotide variant.
Coding change: c.22122C>G on transcript NM_001164508.2 (MANE Select); coding-DNA position 22122, C replaced by G.
Protein change: p.Asp7374Glu; replaces aspartic acid 7374 with glutamic acid.
Molecular consequence: missense variant.
Genome position (GRCh38, 1-based): chr2:151,525,997, G>C on the plus strand (C>G on the coding strand, the complement: NEB is on the minus strand). VCF-style: chr2-151525997-G-C. GRCh37 (hg19) VCF-style: chr2-152382511-G-C.
Other names: p.Asp7409Glu; c.22122C>G, p.Asp7374Glu (NM_001164507.2); c.22227C>G, p.Asp7409Glu (NM_001271208.2); c.17019C>G, p.Asp5673Glu (NM_004543.5); short protein forms D7409E, D5673E, D7374E.
Identifiers: ClinVar variation 378269 (VCV000378269.69), dbSNP rs192402741, ClinGen allele CA1906769.